The following is an entry in ClinVar:

NM_001042492.3(NF1):c.1809_1810del (p.Leu604fs)

Gene: NF1 (neurofibromin 1; plus strand). Cytogenetic location: 17q11.2.
Variant type: Microsatellite.
Coding change: c.1809_1810del on transcript NM_001042492.3 (MANE Select); coding-DNA positions 1809 to 1810, 2 bases deleted (AT; older notation c.1809_1810delAT).
Protein change: p.Leu604fs; shifts the reading frame from leucine 604.
Molecular consequence: frameshift variant.
Genome position (GRCh38, 1-based): chr17:31,223,531-31,223,532, AT deleted; deleting any 2 consecutive bases within chr17:31,223,529-31,223,532 gives the same sequence; the c. name uses the placement nearest the transcript's 3' end. VCF-style (leftmost placement, unchanged base first): chr17-31223528-AAT-A. GRCh37 (hg19) VCF-style: chr17-29550546-AAT-A.
Other names: c.1807_1808AT[1], p.Leu604Aspfs (NM_000267.4); short protein forms L604fs.
Identifiers: ClinVar variation 1325850 (VCV001325850.1), dbSNP rs2144016775, ClinGen allele CA2580614082.

ClinVar aggregate classification (germline): Pathogenic (1 of 4 stars; one submission).

Conditions:
Neurofibromatosis, type 1 (NF1). Also called: Peripheral type neurofibromatosis; Neurofibromatosis, type I; VON RECKLINGHAUSEN DISEASE; NEUROFIBROMATOSIS, TYPE I, SOMATIC. Identifiers: Orphanet 636, MedGen C0027831, MONDO:0018975, OMIM 162200. Disease mechanism: loss of function.

Submission:

Institute of Human Genetics, University of Leipzig Medical Center
Classification: Pathogenic for Neurofibromatosis, type 1. Last evaluated: 2021-10-18. Review status: criteria provided, single submitter. Criteria: ACMG Guidelines, 2015. Collection method: clinical testing. Allele origin: unknown. Affected: yes.
Comment: _x000D_ Criteria applied: PVS1, PS4_SUP, PM2_SUP